The following is an entry in ClinVar:

ClinVar aggregate classification (germline): Uncertain significance (1 of 4 stars; one submission).

gnomAD v4.1: 5 of 1,613,264 alleles (0.00031%); highest among the groups gnomAD compares: Admixed American, 0.0017%; no homozygotes.

Submission:

Women's Health and Genetics/Laboratory Corporation of America, LabCorp
Classification: Uncertain significance. Last evaluated: 2024-08-15. Review status: criteria provided, single submitter. Criteria: LabCorp Variant Classification Summary - May 2015. Collection method: clinical testing. Allele origin: germline.
Comment: Variant summary: NBEAL2 c.6515G>A (p.Arg2172His) results in a non-conservative amino acid change located in the BEACH domain (IPR000409) of the encoded protein sequence. Five of five in-silico tools predict a damaging effect of the variant on protein function. The variant allele was found at a frequency of 3.1e-06 in 1613264 control chromosomes (gnomAD). c.6515G>A has been reported in the literature in a homozygous individual affected with Gray Platelet Syndrome (Sims_2020). These data indicate that the variant may be associated with disease. At least one publication reports experimental evidence evaluating an impact on protein function, however, does not allow convincing conclusions about the variant effect (Mayer_2018). The following publications have been ascertained in the context of this evaluation (PMID: 32693407, 29187380). No submitters have cited clinical-significance assessments for this variant to ClinVar. Based on the evidence outlined above, the variant was classified as VUS-possibly pathogenic.

Literature cited by the submitters: PubMed 32693407; PubMed 29187380.

NM_015175.3(NBEAL2):c.6515G>A (p.Arg2172His)

Gene: NBEAL2 (neurobeachin like 2; plus strand). Cytogenetic location: 3p21.31.
Variant type: single nucleotide variant.
Coding change: c.6515G>A on transcript NM_015175.3 (MANE Select); coding-DNA position 6515, G replaced by A.
Protein change: p.Arg2172His; replaces arginine 2172 with histidine.
Molecular consequence: missense variant.
Genome position (GRCh38, 1-based): chr3:47,005,276, G>A. VCF-style: chr3-47005276-G-A. GRCh37 (hg19) VCF-style: chr3-47046766-G-A.
Other names: c.6413G>A, p.Arg2138His (NM_001365116.2); short protein forms R2138H, R2172H.
Identifiers: ClinVar variation 3366774 (VCV003366774.1).